The following is an entry in ClinVar:

ClinVar aggregate classification (germline): Uncertain significance. Review status: criteria provided, multiple submitters, no conflicts (2 of 4 stars). 3 submissions from 3 submitters: Uncertain significance (3). Last evaluated 2025-07-21.

Conditions:
Spondylometaphyseal dysplasia - Sutcliffe type. Also called: Sutcliffe type of spondylometaphyseal dysplasia; Sutcliffe SMD; Spondylometaphyseal Dysplasia, Corner Fracture Type; Spondylometaphyseal dysplasia, 'corner fracture' type. Identifiers: Orphanet 93315, MedGen C0432221, MONDO:0008479, OMIM 184255.
Glomerulopathy with fibronectin deposits 2 (GFND2). Identifiers: Orphanet 84090, MedGen C1866075, MONDO:0011165, OMIM 601894.
Inborn genetic diseases. Identifiers: MedGen C0950123, MeSH D030342.

Allele frequency attached by ClinVar (database versions not stated): TOPMed 0.00001; gnomAD exomes 0.00002; ExAC 0.00003; gnomAD 0.00003.
gnomAD v4.1: 35 of 1,614,038 alleles (0.0022%); highest among the groups gnomAD compares: South Asian, 0.0033%; no homozygotes.

Submissions (3):

Labcorp Genetics (formerly Invitae), Labcorp
Classification: Uncertain significance. Last evaluated: 2025-07-21. Review status: criteria provided, single submitter. Criteria: Invitae Variant Classification Sherloc (09022015). Collection method: clinical testing. Allele origin: germline.
Comment: This sequence change replaces arginine, which is basic and polar, with histidine, which is basic and polar, at codon 938 of the FN1 protein (p.Arg938His). This variant is present in population databases (rs757467775, gnomAD 0.006%). This variant has not been reported in the literature in individuals affected with FN1-related conditions. ClinVar contains an entry for this variant (Variation ID: 2411735). An algorithm developed to predict the effect of missense changes on protein structure and function (PolyPhen-2) suggests that this variant is likely to be disruptive. In summary, the available evidence is currently insufficient to determine the role of this variant in disease. Therefore, it has been classified as a Variant of Uncertain Significance.

Fulgent Genetics
Classification: Uncertain significance for Spondylometaphyseal dysplasia - Sutcliffe type; Glomerulopathy with fibronectin deposits 2. Last evaluated: 2024-02-06. Review status: criteria provided, single submitter. Criteria: ACMG Guidelines, 2015. Collection method: clinical testing. Allele origin: germline.

Ambry Genetics
Classification: Uncertain significance for Inborn genetic diseases. Last evaluated: 2021-11-29. Review status: criteria provided, single submitter. Criteria: Ambry Variant Classification Scheme 2023. Collection method: clinical testing. Allele origin: germline.

NM_212482.4(FN1):c.2813G>A (p.Arg938His)

Gene: FN1 (fibronectin 1; minus strand). Cytogenetic location: 2q35.
Variant type: single nucleotide variant.
Coding change: c.2813G>A on transcript NM_212482.4 (MANE Select); coding-DNA position 2813, G replaced by A.
Protein change: p.Arg938His; replaces arginine 938 with histidine.
Molecular consequence: missense variant.
Genome position (GRCh38, 1-based): chr2:215,406,411, C>T on the plus strand (G>A on the coding strand, the complement: FN1 is on the minus strand). VCF-style: chr2-215406411-C-T. GRCh37 (hg19) VCF-style: chr2-216271134-C-T.
Other names: c.2813G>A, p.Arg938His (NM_001306129.2, NM_001306130.2, NM_001306131.2 and 13 more transcripts); short protein forms R938H.
Identifiers: ClinVar variation 2411735 (VCV002411735.4), dbSNP rs757467775, ClinGen allele CA2094865.